The following is an entry in ClinVar:

NM_019066.5(MAGEL2):c.374C>T (p.Pro125Leu)

Gene: MAGEL2 (MAGE family member L2; minus strand). Cytogenetic location: 15q11.2.
Variant type: single nucleotide variant.
Coding change: c.374C>T on transcript NM_019066.5 (MANE Select); coding-DNA position 374, C replaced by T.
Protein change: p.Pro125Leu; replaces proline 125 with leucine.
Molecular consequence: missense variant.
Genome position (GRCh38, 1-based): chr15:23,647,369, G>A on the plus strand (C>T on the coding strand, the complement: MAGEL2 is on the minus strand). VCF-style: chr15-23647369-G-A. GRCh37 (hg19) VCF-style: chr15-23892516-G-A.
Other names: short protein forms P125L.
Identifiers: ClinVar variation 4996003 (VCV004996003.1).

ClinVar aggregate classification (germline): Uncertain significance (1 of 4 stars; one submission).

Conditions:
MAGEL2-related disorder. Also called: MAGEL2-related condition.

gnomAD v4.1: 8 of 1,536,880 alleles (0.00052%); highest among the groups gnomAD compares: East Asian, 0.0024%; no homozygotes.

Submission:

PreventionGenetics, part of Exact Sciences
Classification: Uncertain significance for MAGEL2-related condition. Last evaluated: 2026-03-10. Review status: criteria provided, single submitter. Criteria: ACMG Guidelines, 2015. Collection method: clinical testing. Allele origin: germline.
Comment: The MAGEL2 c.374C>T variant is predicted to result in the amino acid substitution p.Pro125Leu. To our knowledge, this variant has not been reported in the literature. This variant is reported in 0.0094% of alleles in individuals of East Asian descent in gnomAD. At this time, the clinical significance of this variant is uncertain due to the absence of conclusive functional and genetic evidence.